The following is an entry in ClinVar:

NM_032808.7(LINGO1):c.798G>A (p.Thr266=)

Gene: LINGO1 (leucine rich repeat and Ig domain containing 1; minus strand). Cytogenetic location: 15q24.3.
Variant type: single nucleotide variant.
Coding change: c.798G>A on transcript NM_032808.7 (MANE Select); coding-DNA position 798, G replaced by A.
Protein change: p.Thr266=; no amino-acid change (threonine 266 retained).
Molecular consequence: synonymous variant.
Genome position (GRCh38, 1-based): chr15:77,615,109, C>T on the plus strand (G>A on the coding strand, the complement: LINGO1 is on the minus strand). VCF-style: chr15-77615109-C-T. GRCh37 (hg19) VCF-style: chr15-77907451-C-T.
Other names: c.780G>A, p.Thr260= (NM_001301186.2, NM_001301187.2, NM_001301189.2 and 8 more transcripts).
Identifiers: ClinVar variation 3057095 (VCV003057095.6), dbSNP rs141129663, ClinGen allele CA7677911.

ClinVar aggregate classification (germline): Likely benign. Review status: criteria provided, single submitter (1 of 4 stars). 2 submissions from 2 submitters: Likely benign (1). 1 of the submissions does not count toward it. Last evaluated 2026-03-01.

Conditions:
LINGO1-related disorder. Also called: LINGO1-related condition.

Allele frequency attached by ClinVar (database versions not stated): ExAC 0.00002; gnomAD 0.00007; 1000 Genomes Project 30x 0.00031; 1000 Genomes Project 0.00040.
gnomAD v4.1: 50 of 1,613,972 alleles (0.0031%); highest among the groups gnomAD compares: Middle Eastern, 0.016%; no homozygotes.

Submissions (2):

CeGaT Center for Human Genetics Tuebingen
Classification: Likely benign. Last evaluated: 2026-03-01. Review status: criteria provided, single submitter. Criteria: CeGaT Center For Human Genetics Tuebingen Variant Classification Criteria Version 2. Collection method: clinical testing. Allele origin: germline. Affected: yes. Observed: 1 variant allele.
Comment: LINGO1: BP4, BP7

PreventionGenetics, part of Exact Sciences
Classification: Likely benign for LINGO1-related condition. Last evaluated: 2019-04-29. Review status: no assertion criteria provided. Collection method: clinical testing. Allele origin: germline. Not counted in ClinVar's aggregate classification.
Comment: This variant is classified as likely benign based on ACMG/AMP sequence variant interpretation guidelines (Richards et al. 2015 PMID: 25741868, with internal and published modifications).